The following is an entry in ClinVar:

ClinVar aggregate classification (germline): Uncertain significance. Review status: criteria provided, multiple submitters, no conflicts (2 of 4 stars). 2 submissions from 2 submitters: Uncertain significance (2). Last evaluated 2024-12-12.

Conditions:
Factor I deficiency (CFID). Also called: Complement factor I deficiency. Identifiers: Orphanet 200418, MedGen C3463916, MONDO:0012594, OMIM 610984.

Allele frequency attached by ClinVar (database versions not stated): gnomAD exomes below 0.00001; ExAC 0.00002.
gnomAD v4.1: 7 of 1,614,160 alleles (0.00043%); highest among the groups gnomAD compares: South Asian, 0.0066%; no homozygotes.

Submissions (2):

Mayo Clinic Laboratories, Mayo Clinic
Classification: Uncertain significance. Last evaluated: 2024-12-12. Review status: criteria provided, single submitter. Criteria: ACMG Guidelines, 2015. Collection method: clinical testing. Allele origin: germline. Observed: 2 variant alleles.
Comment: PP3

Neuberg Centre For Genomic Medicine, NCGM
Classification: Uncertain significance for Factor I deficiency. Review status: criteria provided, single submitter. Criteria: ACMG Guidelines, 2015. Collection method: clinical testing. Allele origin: germline. Inheritance: Autosomal recessive inheritance. Affected: yes.
Comment: The missense variant c.1369T>C (p.Ser457Pro) in the CFI gene has not been reported previously as a pathogenic variant nor as a benign variant, to our knowledge. This variant is reported with the allele frequency (0.001%) in the gnomAD Exomes. The amino acid Serine at position 457 is changed to a Proline changing protein sequence and it might alter its composition and physico-chemical properties. The variant is predicted as damaging by SIFT. The amino acid change p.Ser457Pro in CFI is predicted as conserved by GERP++ and PhyloP across 100 vertebrates. For these reasons, this variant has been classified as Uncertain Significance.

NM_000204.5(CFI):c.1369T>C (p.Ser457Pro)

Gene: CFI (complement factor I; minus strand). Cytogenetic location: 4q25.
Variant type: single nucleotide variant.
Coding change: c.1369T>C on transcript NM_000204.5 (MANE Select); coding-DNA position 1369, T replaced by C.
Protein change: p.Ser457Pro; replaces serine 457 with proline.
Molecular consequence: missense variant. On other transcripts: non-coding transcript variant (2).
Genome position (GRCh38, 1-based): chr4:109,746,282, A>G on the plus strand (T>C on the coding strand, the complement: CFI is on the minus strand). VCF-style: chr4-109746282-A-G. GRCh37 (hg19) VCF-style: chr4-110667438-A-G.
Other names: p.Ser457Pro; c.1393T>C, p.Ser465Pro (NM_001318057.2, NM_001375278.1); c.1348T>C, p.Ser450Pro (NM_001331035.2, NM_001375280.1, NM_001375282.1); c.1369T>C, p.Ser457Pro (NM_001375279.1, NM_001375281.1); c.1312T>C, p.Ser438Pro (NM_001375283.1); c.760T>C, p.Ser254Pro (NM_001375284.1); c.1369T>C (NM_000204.4); short protein forms S254P, S438P, S450P, S457P, S465P.
Identifiers: ClinVar variation 3242004 (VCV003242004.3), dbSNP rs756858894.